The following is an entry in ClinVar:

NM_000382.3(ALDH3A2):c.798G>A (p.Lys266=)

Gene: ALDH3A2 (aldehyde dehydrogenase 3 family member A2; plus strand). Cytogenetic location: 17p11.2.
Variant type: single nucleotide variant.
Coding change: c.798G>A on transcript NM_000382.3 (MANE Select); coding-DNA position 798, G replaced by A.
Protein change: p.Lys266=; no amino-acid change (lysine 266 retained).
Molecular consequence: synonymous variant.
Genome position (GRCh38, 1-based): chr17:19,657,862, G>A. VCF-style: chr17-19657862-G-A. GRCh37 (hg19) VCF-style: chr17-19561175-G-A.
Other names: c.798G>A, p.Lys266= (NM_001031806.2, NM_001369136.1, NM_001369137.2 and 3 more transcripts); c.219G>A, p.Lys73= (NM_001369148.2).
Identifiers: ClinVar variation 4812821 (VCV004812821.1).

ClinVar aggregate classification (germline): Likely pathogenic (1 of 4 stars; one submission).

Conditions:
Sjögren-Larsson syndrome (SLS). Also called: FALDH DEFICIENCY; FATTY ALCOHOL:NAD+ OXIDOREDUCTASE DEFICIENCY; FATTY ALDEHYDE DEHYDROGENASE DEFICIENCY; ICHTHYOSIS, SPASTIC NEUROLOGIC DISORDER, AND OLIGOPHRENIA. Identifiers: Orphanet 816, MedGen C0037231, MONDO:0010031, OMIM 270200.

Submission:

Department of Pediatrics, Nagoya University Graduate School of Medicine
Classification: Likely pathogenic for Sjögren-Larsson syndrome. Last evaluated: 2025-10-02. Review status: criteria provided, single submitter. Criteria: ACMG Guidelines, 2015. Collection method: research, in vitro. Allele origin: paternal, not applicable. Affected: yes. Observed: 1 variant allele. Functional consequence: skipped exon.
Comment: The ALDH3A2 variant (NM_000382.3:c.798G>A, NP_000373.1:p.(=)) is predicted to affect splicing. RNA analysis demonstrated skipping of exon 5, resulting in a premature termination codon and subsequent nonsense-mediated mRNA decay (NMD). In addition, transcripts lacking exons 4 and 5 while preserving the reading frame were detected. Exons 4 and 5 are present in the biologically relevant transcript. According to the ClinGen Sequence Variant Interpretation (SVI) Working Group recommendations for PVS1 application, this variant meets the PVS1 criterion at a strong level. The variant is absent from large population databases, including gnomAD. Overall, the following ACMG/AMP criteria were applied to classify this variant as Likely Pathogenic: PVS1_Strong, PM2, PM3, and PP4.